The following is an entry in ClinVar:

ClinVar aggregate classification (germline): Uncertain significance. Review status: criteria provided, multiple submitters, no conflicts (2 of 4 stars). 2 submissions from 2 submitters: Uncertain significance (2). Last evaluated 2024-09-22.

Conditions:
Dias-Logan syndrome. Also called: INTELLECTUAL DEVELOPMENTAL DISORDER WITH HEREDITARY PERSISTENCE OF FETAL HEMOGLOBIN; Intellectual developmental disorder with persistence of fetal hemoglobin. Identifiers: Orphanet 619233, MedGen C4310833, MONDO:0014914, OMIM 617101.

Submissions (2):

Genomic Medicine Center of Excellence, King Faisal Specialist Hospital and Research Centre
Classification: Uncertain significance for Dias-Logan syndrome. Last evaluated: 2024-09-22. Review status: criteria provided, single submitter. Criteria: ACMG Guidelines, 2015. Collection method: clinical testing. Allele origin: germline.

Baylor Genetics
Classification: Uncertain significance for Dias-Logan syndrome. Last evaluated: 2020-06-09. Review status: criteria provided, single submitter. Criteria: ACMG Guidelines, 2015. Collection method: clinical testing. Allele origin: unknown. Affected: yes.
Comment: This variant was determined to be of uncertain significance according to ACMG Guidelines, 2015 [PMID:25741868].

NM_022893.4(BCL11A):c.142T>C (p.Cys48Arg)

Gene: BCL11A (BCL11 transcription factor A; minus strand). Cytogenetic location: 2p16.1.
Variant type: single nucleotide variant.
Coding change: c.142T>C on transcript NM_022893.4 (MANE Select); coding-DNA position 142, T replaced by C.
Protein change: p.Cys48Arg; replaces cysteine 48 with arginine.
Molecular consequence: missense variant.
Genome position (GRCh38, 1-based): chr2:60,546,214, A>G on the plus strand (T>C on the coding strand, the complement: BCL11A is on the minus strand). VCF-style: chr2-60546214-A-G. GRCh37 (hg19) VCF-style: chr2-60773349-A-G.
Other names: c.142T>C, p.Cys48Arg (NM_001363864.1, NM_001365609.1, NM_018014.4 and 1 more transcripts); short protein forms C48R.
Identifiers: ClinVar variation 1029866 (VCV001029866.2), dbSNP rs1670145300, ClinGen allele CA347041025.
Genomic context (GRCh38, chr2:60,546,214, plus strand): 5'-GTTTGTGCTCGATAAAAATAAGAATGTCCCCCAATGGGAAGTTCATCTGGCACTGCCCAC[A>G]GGTGAGGAGGTCATGATCCCCTTCTGGAGCTCCCAACGGGCCGTGGTCTGGTTCATCATC-3'
Protein context (NP_075044.2, residues 38-58): APEGDHDLLT[Cys48Arg]GQCQMNFPLG